The following is an entry in ClinVar:

ClinVar aggregate classification (germline): Uncertain significance. Review status: criteria provided, multiple submitters, no conflicts (2 of 4 stars). 5 submissions from 5 submitters: Uncertain significance (5). Last evaluated 2026-04-17.

Conditions:
PCNT-related disorder. Also called: PCNT-related condition.
Microcephalic osteodysplastic primordial dwarfism type II (MOPD2). Also called: Microcephalic osteodysplastic primordial dwarfism with tooth abnormalities; MOPD II; OSTEODYSPLASTIC PRIMORDIAL DWARFISM, TYPE II. Identifiers: Orphanet 2637, MedGen C0432246, MONDO:0008872, OMIM 210720.

Allele frequency attached by ClinVar (database versions not stated): gnomAD exomes 0.00008 and 0.00002; TOPMed 0.00033; ExAC 0.00008; gnomAD 0.00030 and 0.00032; ESP Exome Variant Server 0.00023.
gnomAD v4.1: 84 of 1,613,956 alleles (0.0052%); highest among the groups gnomAD compares: African/African-American, 0.091%; no homozygotes.

Submissions (5):

GeneDx
Classification: Uncertain significance. Last evaluated: 2026-04-17. Review status: criteria provided, single submitter. Criteria: GeneDx Variant Classification Process June 2021. Collection method: clinical testing. Allele origin: germline.
Comment: In silico analysis suggests that this missense variant does not alter protein structure/function; Has not been previously published as pathogenic or benign to our knowledge

PreventionGenetics, part of Exact Sciences
Classification: Uncertain significance for PCNT-related condition. Last evaluated: 2026-04-07. Review status: criteria provided, single submitter. Criteria: ACMG Guidelines, 2015. Collection method: clinical testing. Allele origin: germline.
Comment: The PCNT c.8672C>T variant is predicted to result in the amino acid substitution p.Ala2891Val. To our knowledge, this variant has not been reported in the literature. This variant is reported in 0.12% of alleles in individuals of African descent in gnomAD, which is likely too common to be a primary cause of disease. Although we suspect that this variant may be benign, the clinical significance of this variant is uncertain at this time due to the absence of conclusive functional and genetic evidence.

Labcorp Genetics (formerly Invitae), Labcorp
Classification: Uncertain significance. Last evaluated: 2024-01-08. Review status: criteria provided, single submitter. Criteria: Invitae Variant Classification Sherloc (09022015). Collection method: clinical testing. Allele origin: germline.
Comment: This sequence change replaces alanine, which is neutral and non-polar, with valine, which is neutral and non-polar, at codon 2891 of the PCNT protein (p.Ala2891Val). This variant is present in population databases (rs144963695, gnomAD 0.1%). This variant has not been reported in the literature in individuals affected with PCNT-related conditions. ClinVar contains an entry for this variant (Variation ID: 159674). Algorithms developed to predict the effect of missense changes on protein structure and function output the following: SIFT: "Not Available"; PolyPhen-2: "Benign"; Align-GVGD: "Not Available". The valine amino acid residue is found in multiple mammalian species, which suggests that this missense change does not adversely affect protein function. In summary, the available evidence is currently insufficient to determine the role of this variant in disease. Therefore, it has been classified as a Variant of Uncertain Significance.

Illumina Laboratory Services, Illumina
Classification: Uncertain significance for Microcephalic osteodysplastic primordial dwarfism type II. Last evaluated: 2018-01-13. Review status: criteria provided, single submitter. Criteria: ICSL Variant Classification Criteria 13 December 2019. Collection method: clinical testing. Allele origin: germline.

Genetic Services Laboratory, University of Chicago
Classification: Uncertain significance for Microcephalic osteodysplastic primordial dwarfism, type II. Last evaluated: 2014-07-21. Review status: criteria provided, single submitter. Criteria: ACMG Guidelines, 2015. Collection method: clinical testing. Allele origin: germline. Inheritance: Autosomal recessive inheritance.

NM_006031.6(PCNT):c.8672C>T (p.Ala2891Val)

Gene: PCNT (pericentrin; plus strand). Cytogenetic location: 21q22.3.
Variant type: single nucleotide variant.
Coding change: c.8672C>T on transcript NM_006031.6 (MANE Select); coding-DNA position 8672, C replaced by T.
Protein change: p.Ala2891Val; replaces alanine 2891 with valine.
Molecular consequence: missense variant. On other transcripts: intron variant (1).
Genome position (GRCh38, 1-based): chr21:46,432,136, C>T. VCF-style: chr21-46432136-C-T. GRCh37 (hg19) VCF-style: chr21-47852050-C-T.
Other names: c.8160+158C>T (NM_001315529.2); short protein forms A2891V.
Identifiers: ClinVar variation 159674 (VCV000159674.17), dbSNP rs144963695, ClinGen allele CA251115.